The following is an entry in ClinVar:

NC_012920.1(MT-TS1):m.7478G>A

Gene: MT-TS1 (mitochondrially encoded tRNA serine 1 (UCN); minus strand).
Variant type: single nucleotide variant.
Genome position: chrM-7478-G-A.
Identifiers: ClinVar variation 690029 (VCV000690029.1), dbSNP rs1603220977, ClinGen allele CA913177157.
Genomic context (GRCh38, chrMT:7,478, plus strand): 5'-CGAAGAACCCGTATACATAAAATCTAGACAAAAAAGGAAGGAATCGAACCCCCCAAAGCT[G>A]GTTTCAAGCCAACCCCATGGCCTCCATGACTTTTTCAAAAAGGTATTAGAAAAACCATTT-3'

ClinVar aggregate classification (germline): Uncertain significance (1 of 4 stars; one submission).

Conditions:
MELAS syndrome (MELAS). Also called: Juvenile myopathy, encephalopathy, lactic acidosis, stroke. Identifiers: Orphanet 550, MedGen C0162671, MONDO:0010789, OMIM 540000.

Submission:

Wong Mito Lab, Molecular and Human Genetics, Baylor College of Medicine
Classification: Uncertain significance for MELAS syndrome. Last evaluated: 2019-07-12. Review status: criteria provided, single submitter. Criteria: Modified ACMG Guidelines (Unpublished). Collection method: clinical testing. Allele origin: germline.
Comment: The NC_012920.1:m.7478G>A variant in MT-TS1 gene is interpreted to be a Unknown Significance variant based on the modified ACMG guidelines (unpublished). This variant meets the following evidence codes reported in the guidelines: PP3, PP7, BP6

Literature cited by the submitters: PubMed 31965079.